The following is an entry in ClinVar:

NM_006736.6(DNAJB2):c.507A>C (p.Thr169=)

Gene: DNAJB2 (DnaJ heat shock protein family (Hsp40) member B2; plus strand). Cytogenetic location: 2q35.
Variant type: single nucleotide variant.
Coding change: c.507A>C on transcript NM_006736.6 (MANE Select); coding-DNA position 507, A replaced by C.
Protein change: p.Thr169=; no amino-acid change (threonine 169 retained).
Molecular consequence: synonymous variant.
Genome position (GRCh38, 1-based): chr2:219,283,194, A>C. VCF-style: chr2-219283194-A-C. GRCh37 (hg19) VCF-style: chr2-220147916-A-C.
Other names: c.507A>C, p.Thr169= (NM_001039550.2); c.507A>C (NM_006736.5).
Identifiers: ClinVar variation 2971502 (VCV002971502.6), dbSNP rs748494804, ClinGen allele CA2123013.
Genomic context (GRCh38, chr2:219,283,194, plus strand): 5'-TTTCTCCTCCTCATCTTTCTCCTTCAGTCCTGGGGCTGGTGCTTTTCGCTCTGTTTCTAC[A>C]TCTACCACCTTTGTCCAAGGACGCCGCATCACCACACGCAGGTGAGAGCTCCTTCTGGGG-3'
Protein context (NP_006727.2, residues 159-179): PGAGAFRSVS[Thr169=]STTFVQGRRI

ClinVar aggregate classification (germline): Likely benign. Review status: criteria provided, multiple submitters, no conflicts (2 of 4 stars). 3 submissions from 3 submitters: Likely benign (2). 1 of the submissions does not count toward it. Last evaluated 2026-08-01.

Conditions:
Neuronopathy, distal hereditary motor, autosomal recessive 5. Also called: Young adult-onset distal hereditary motor neuropathy; Spinal muscular atrophy, distal, autosomal recessive, 5; NEUROPATHY, DISTAL HEREDITARY MOTOR, AUTOSOMAL RECESSIVE 5. Identifiers: Orphanet 314485, Orphanet 443950, MedGen C4749918, MONDO:0013947, OMIM 614881.
DNAJB2-related disorder. Also called: DNAJB2-related condition.

Allele frequency attached by ClinVar (database versions not stated): TOPMed below 0.00001; ExAC 0.00001.
gnomAD v4.1: 12 of 1,614,166 alleles (0.00074%); highest among the groups gnomAD compares: Middle Eastern, 0.16%; 1 homozygote.

Submissions (3):

CeGaT Center for Human Genetics Tuebingen
Classification: Likely benign. Last evaluated: 2026-08-01. Review status: criteria provided, single submitter. Criteria: CeGaT Center For Human Genetics Tuebingen Variant Classification Criteria Version 2. Collection method: clinical testing. Allele origin: germline. Affected: yes. Observed: 1 variant allele.
Comment: DNAJB2: BP4, BP7

Labcorp Genetics (formerly Invitae), Labcorp
Classification: Likely benign for Neuronopathy, distal hereditary motor, autosomal recessive 5. Last evaluated: 2022-12-07. Review status: criteria provided, single submitter. Criteria: Invitae Variant Classification Sherloc (09022015). Collection method: clinical testing. Allele origin: germline.

PreventionGenetics, part of Exact Sciences
Classification: Likely benign for DNAJB2-related condition. Last evaluated: 2019-07-11. Review status: no assertion criteria provided. Collection method: clinical testing. Allele origin: germline. Not counted in ClinVar's aggregate classification.
Comment: This variant is classified as likely benign based on ACMG/AMP sequence variant interpretation guidelines (Richards et al. 2015 PMID: 25741868, with internal and published modifications).